The following is an entry in ClinVar:

NM_152281.3(GORAB):c.952G>A (p.Val318Met)

Gene: GORAB (golgin, RAB6 interacting; plus strand). Cytogenetic location: 1q24.2.
Variant type: single nucleotide variant.
Coding change: c.952G>A on transcript NM_152281.3 (MANE Select); coding-DNA position 952, G replaced by A.
Protein change: p.Val318Met; replaces valine 318 with methionine.
Molecular consequence: missense variant. On other transcripts: non-coding transcript variant (1).
Genome position (GRCh38, 1-based): chr1:170,552,304, G>A. VCF-style: chr1-170552304-G-A. GRCh37 (hg19) VCF-style: chr1-170521445-G-A.
Other names: c.1027G>A (NM_152281.2); c.487G>A, p.Val163Met (NM_001320252.2); short protein forms V163M, V318M.
Identifiers: ClinVar variation 546615 (VCV000546615.47), dbSNP rs199673882, ClinGen allele CA1239278.

ClinVar aggregate classification (germline): Uncertain significance. Review status: criteria provided, multiple submitters, no conflicts (2 of 4 stars). 4 submissions from 4 submitters: Uncertain significance (3). 1 of the submissions does not count toward it. Last evaluated 2023-04-11.

Conditions:
Geroderma osteodysplastica (GO). Also called: WALT DISNEY DWARFISM; Geroderma osteodysplasticum. Identifiers: Orphanet 2078, MedGen C0432255, MONDO:0009271, OMIM 231070.
GORAB-related disorder. Also called: GORAB-related condition.

Allele frequency attached by ClinVar (database versions not stated): gnomAD 0.00006; ExAC 0.00008; TOPMed 0.00008; gnomAD exomes 0.00010.
gnomAD v4.1: 117 of 1,613,998 alleles (0.0072%); highest among the groups gnomAD compares: South Asian, 0.0099%; no homozygotes.

Submissions (4):

Genome-Nilou Lab
Classification: Uncertain significance for Geroderma osteodysplastica. Last evaluated: 2023-04-11. Review status: criteria provided, single submitter. Criteria: ACMG Guidelines, 2015. Collection method: clinical testing. Allele origin: germline. Affected: no.

Labcorp Genetics (formerly Invitae), Labcorp
Classification: Uncertain significance. Last evaluated: 2022-08-22. Review status: criteria provided, single submitter. Criteria: Invitae Variant Classification Sherloc (09022015). Collection method: clinical testing. Allele origin: germline.
Comment: This sequence change replaces valine, which is neutral and non-polar, with methionine, which is neutral and non-polar, at codon 343 of the GORAB protein (p.Val343Met). This variant is present in population databases (rs199673882, gnomAD 0.2%). This variant has not been reported in the literature in individuals affected with GORAB-related conditions. ClinVar contains an entry for this variant (Variation ID: 546615). Algorithms developed to predict the effect of missense changes on protein structure and function output the following: SIFT: "Tolerated"; PolyPhen-2: "Benign"; Align-GVGD: "Class C0". The methionine amino acid residue is found in multiple mammalian species, which suggests that this missense change does not adversely affect protein function. In summary, the available evidence is currently insufficient to determine the role of this variant in disease. Therefore, it has been classified as a Variant of Uncertain Significance.

CeGaT Center for Human Genetics Tuebingen
Classification: Uncertain significance. Last evaluated: 2018-03-01. Review status: criteria provided, single submitter. Criteria: CeGaT Center For Human Genetics Tuebingen Variant Classification Criteria Version 2. Collection method: clinical testing. Allele origin: germline. Affected: yes. Observed: 1 variant allele.

PreventionGenetics, part of Exact Sciences
Classification: Uncertain significance for GORAB-related condition. Last evaluated: 2024-02-17. Review status: no assertion criteria provided. Collection method: clinical testing. Allele origin: germline. Not counted in ClinVar's aggregate classification.
Comment: The GORAB c.1027G>A variant is predicted to result in the amino acid substitution p.Val343Met. To our knowledge, this variant has not been reported in the literature. This variant is reported in 0.14% of alleles in individuals of Ashkenazi Jewish descent in gnomAD. Although we suspect that this variant may be benign, at this time, the clinical significance of this variant is uncertain due to the absence of conclusive functional and genetic evidence.